The following is an entry in ClinVar:

ClinVar aggregate classification (germline): Uncertain significance. Review status: criteria provided, multiple submitters, no conflicts (2 of 4 stars). 5 submissions from 5 submitters: Uncertain significance (4). 1 of the submissions does not count toward it. Last evaluated 2025-01-26.

Conditions:
Bardet-Biedl syndrome (BBS). Identifiers: Orphanet 110, MedGen C0752166, MONDO:0015229.
Bardet-Biedl syndrome 4 (BBS4). Identifiers: Orphanet 110, MedGen C2936864, MONDO:0014433, OMIM 615982.
BBS4-related disorder. Also called: BBS4-related condition.
Inborn genetic diseases. Identifiers: MedGen C0950123, MeSH D030342.

Allele frequency attached by ClinVar (database versions not stated): ExAC 0.00003; TOPMed 0.00003; gnomAD 0.00005; gnomAD exomes 0.00005.
gnomAD v4.1: 87 of 1,613,356 alleles (0.0054%); highest among the groups gnomAD compares: Middle Eastern, 0.016%; no homozygotes.

Submissions (5):

Ambry Genetics
Classification: Uncertain significance for Inborn genetic diseases. Last evaluated: 2025-01-26. Review status: criteria provided, single submitter. Criteria: Ambry Variant Classification Scheme 2023. Collection method: clinical testing. Allele origin: germline.

Fulgent Genetics
Classification: Uncertain significance for Bardet-Biedl syndrome 4. Last evaluated: 2024-06-19. Review status: criteria provided, single submitter. Criteria: ACMG Guidelines, 2015. Collection method: clinical testing. Allele origin: germline.

Blueprint Genetics
Classification: Uncertain significance. Last evaluated: 2023-06-08. Review status: criteria provided, single submitter. Criteria: ACMG Guidelines, 2015. Collection method: clinical testing. Allele origin: germline.

Labcorp Genetics (formerly Invitae), Labcorp
Classification: Uncertain significance for Bardet-Biedl syndrome. Last evaluated: 2022-08-22. Review status: criteria provided, single submitter. Criteria: Invitae Variant Classification Sherloc (09022015). Collection method: clinical testing. Allele origin: germline.
Comment: This sequence change replaces arginine, which is basic and polar, with tryptophan, which is neutral and slightly polar, at codon 45 of the BBS4 protein (p.Arg45Trp). This variant is present in population databases (rs760345612, gnomAD 0.02%). This variant has not been reported in the literature in individuals affected with BBS4-related conditions. Algorithms developed to predict the effect of missense changes on protein structure and function (SIFT, PolyPhen-2, Align-GVGD) all suggest that this variant is likely to be disruptive. In summary, the available evidence is currently insufficient to determine the role of this variant in disease. Therefore, it has been classified as a Variant of Uncertain Significance.

PreventionGenetics, part of Exact Sciences
Classification: Uncertain significance for BBS4-related condition. Last evaluated: 2024-09-02. Review status: no assertion criteria provided. Collection method: clinical testing. Allele origin: germline. Not counted in ClinVar's aggregate classification.
Comment: The BBS4 c.133C>T variant is predicted to result in the amino acid substitution p.Arg45Trp. To our knowledge, this variant has not been reported in the literature. This variant is reported in 0.016% of alleles in individuals of South Asian descent in gnomAD. At this time, the clinical significance of this variant is uncertain due to the absence of conclusive functional and genetic evidence.

NM_033028.5(BBS4):c.133C>T (p.Arg45Trp)

Gene: BBS4 (Bardet-Biedl syndrome 4; plus strand). Cytogenetic location: 15q24.1.
Variant type: single nucleotide variant.
Coding change: c.133C>T on transcript NM_033028.5 (MANE Select); coding-DNA position 133, C replaced by T.
Protein change: p.Arg45Trp; replaces arginine 45 with tryptophan.
Molecular consequence: missense variant. On other transcripts: 5 prime UTR variant (1), non-coding transcript variant (2).
Genome position (GRCh38, 1-based): chr15:72,709,756, C>T. VCF-style: chr15-72709756-C-T. GRCh37 (hg19) VCF-style: chr15-73002097-C-T.
Other names: c.133C>T (NM_033028.4, NM_033028.3); c.-389C>T (NM_001252678.2); c.133C>T, p.Arg45Trp (NM_001320665.2); short protein forms R45W.
Identifiers: ClinVar variation 1955373 (VCV001955373.6), dbSNP rs760345612, ClinGen allele CA7646507.